The following is an entry in ClinVar:

ClinVar aggregate classification (germline): Likely benign (1 of 4 stars; one submission).

Conditions:
Familial cancer of breast. Also called: hereditary breast carcinoma; Hereditary breast cancer; BREAST CANCER, FAMILIAL. Identifiers: Orphanet 227535, MedGen C0346153, MONDO:0016419, OMIM 114480. Disease mechanism: loss of function.

Submission:

Myriad Genetics, Inc.
Classification: Likely benign for Familial cancer of breast. Last evaluated: 2024-09-03. Review status: criteria provided, single submitter. Criteria: Myriad Autosomal Dominant, Autosomal Recessive and X-Linked Classification Criteria (2023). Collection method: clinical testing. Allele origin: unknown.
Comment: This variant is considered likely benign. This variant is intronic and is not expected to impact mRNA splicing.

NM_032043.3(BRIP1):c.2098-12dup

Gene: BRIP1 (BRCA1 interacting DNA helicase 1; minus strand). Cytogenetic location: 17q23.2.
Variant type: Duplication.
Coding change: c.2098-12dup on transcript NM_032043.3 (MANE Select); 12 bases into the intron before coding-DNA position 2098, one base duplicated (T; older notation c.2098-12dupT).
Molecular consequence: intron variant.
Genome position (GRCh38, 1-based): chr17:61,744,603, A duplicated on the plus strand (T on the coding strand, the reverse complement: BRIP1 is on the minus strand); the first of 3 consecutive A bases (chr17:61,744,603-61,744,605); duplicating any one gives the same sequence. VCF-style (leftmost placement, unchanged base first): chr17-61744602-G-GA. GRCh37 (hg19) VCF-style: chr17-59821963-G-GA.
Identifiers: ClinVar variation 3378587 (VCV003378587.1).